The following is an entry in ClinVar:

NM_001005242.3(PKP2):c.202G>A (p.Gly68Ser)

Gene: PKP2 (plakophilin 2; minus strand). Cytogenetic location: 12p11.21.
Variant type: single nucleotide variant.
Coding change: c.202G>A on transcript NM_001005242.3 (MANE Select); coding-DNA position 202, G replaced by A.
Protein change: p.Gly68Ser; replaces glycine 68 with serine.
Molecular consequence: missense variant.
Genome position (GRCh38, 1-based): chr12:32,896,530, C>T on the plus strand (G>A on the coding strand, the complement: PKP2 is on the minus strand). VCF-style: chr12-32896530-C-T. GRCh37 (hg19) VCF-style: chr12-33049464-C-T.
Other names: p.G68S:GGC>AGC; c.202G>A, p.Gly68Ser (NM_004572.4); short protein forms G68S.
Identifiers: ClinVar variation 202003 (VCV000202003.4), dbSNP rs794729114, ClinGen allele CA011653.
Genomic context (GRCh38, chr12:32,896,530, plus strand): 5'-GGCAGGGGGCGGCGCCGGGGAGCGGCGGGCTCCACTCACCGTTGCCCACGGAGCTGCGGC[C>T]CTTCCGGGCGAGGGTCTGCTGCACCTGCTCCTGGATCCGCAGGCTCTTGACTGTCTGGCC-3'
Protein context (NP_001005242.2, residues 58-78): EQVQQTLARK[Gly68Ser]RSSVGNGNLH

ClinVar aggregate classification (germline): Uncertain significance. Review status: criteria provided, multiple submitters, no conflicts (2 of 4 stars). 2 submissions from 2 submitters: Uncertain significance (2). Last evaluated 2022-12-13.

Conditions:
Cardiomyopathy (CMYO). Also called: Cardiomyopathies. Identifiers: Orphanet 167848, MedGen C0878544, MONDO:0004994, HP:0001638. Inheritance: Various modes of inheritance.

Allele frequency attached by ClinVar (database versions not stated): TOPMed below 0.00001.
gnomAD v4.1: 3 of 1,556,132 alleles (0.00019%); highest among the groups gnomAD compares: East Asian, 0.0025%; no homozygotes.

Submissions (2):

Color Diagnostics, LLC DBA Color Health
Classification: Uncertain significance for Cardiomyopathy. Last evaluated: 2022-12-13. Review status: criteria provided, single submitter. Criteria: ACMG Guidelines, 2015. Collection method: clinical testing. Allele origin: germline.
Comment: This missense variant replaces glycine with serine at codon 68 of the PKP2 protein. Computational prediction suggests that this variant may not impact protein structure and function (internally defined REVEL score threshold <= 0.5, PMID: 27666373). To our knowledge, functional studies have not been reported for this variant. This variant has not been reported in individuals affected with PKP2-related disorders in the literature. This variant has not been identified in the general population by the Genome Aggregation Database (gnomAD). The available evidence is insufficient to determine the role of this variant in disease conclusively. Therefore, this variant is classified as a Variant of Uncertain Significance.

GeneDx
Classification: Uncertain significance. Last evaluated: 2014-02-06. Review status: criteria provided, single submitter. Criteria: GeneDx Variant Classification (06012015). Collection method: clinical testing. Allele origin: germline. Affected: yes.
Comment: p.Gly68Ser (GGC>AGC): c.202 G>A in exon 1 of the PKP2 gene (NM_004572.3). The G68S variant in the PKP2 gene has not been reported as a disease-causing mutation or as a benign polymorphism to our knowledge. The G68S variant is a non-conservative amino acid substitution as these residues differ in polarity, charge, size and/or other properties and is more likely to impact secondary structure. Mutations in nearby residues (Q59L, Q62K, N76S) have been reported in association with ARVC, supporting the functional importance of this region of the protein. The G68S variant was not observed in approximately 6,200 individuals of European and African American ancestry in the NHLBI Exome Sequencing Project, indicating it is not a common benign variant in these populations. Nevertheless, the G68 residue is not well conserved across species (S68 is present in chicken and zebra finch). As a consequence, in silico analysis predicts G68S is benign to the protein structure/function. With the clinical and molecular information available at this time, we cannot definitively determine if G68S is a disease-causing mutation or a rare benign variant. The variant is found in ARVC panel(s).